The following is an entry in ClinVar:

ClinVar aggregate classification (germline): Uncertain significance (1 of 4 stars; one submission).

Conditions:
Hereditary cancer-predisposing syndrome. Also called: Neoplastic Syndromes, Hereditary; Tumor predisposition; Hereditary neoplastic syndrome; Hereditary Cancer Syndrome. Identifiers: Orphanet 140162, MedGen C0027672, MeSH D009386, MONDO:0015356.

gnomAD v4.1: 1 of 1,614,188 alleles (0.000062%); highest among the groups gnomAD compares: East Asian, 0.0022%; no homozygotes.

Submission:

Ambry Genetics
Classification: Uncertain significance for Hereditary cancer-predisposing syndrome. Last evaluated: 2024-06-07. Review status: criteria provided, single submitter. Criteria: Ambry Variant Classification Scheme 2023. Collection method: clinical testing. Allele origin: germline.
Comment: The p.L119H variant (also known as c.356T>A), located in coding exon 4 of the TSC2 gene, results from a T to A substitution at nucleotide position 356. The leucine at codon 119 is replaced by histidine, an amino acid with similar properties. This amino acid position is conserved. In addition, this alteration is predicted to be deleterious by in silico analysis. Based on the available evidence, the clinical significance of this variant remains unclear.

NM_000548.5(TSC2):c.356T>A (p.Leu119His)

Gene: TSC2 (TSC complex subunit 2; plus strand). Cytogenetic location: 16p13.3.
Variant type: single nucleotide variant.
Coding change: c.356T>A on transcript NM_000548.5 (MANE Select); coding-DNA position 356, T replaced by A.
Protein change: p.Leu119His; replaces leucine 119 with histidine.
Molecular consequence: missense variant. On other transcripts: 5 prime UTR variant (14), non-coding transcript variant (5), intron variant (6).
Genome position (GRCh38, 1-based): chr16:2,054,315, T>A. VCF-style: chr16-2054315-T-A. GRCh37 (hg19) VCF-style: chr16-2104316-T-A.
Other names: c.356T>A, p.Leu119His (NM_001077183.3, NM_001114382.3, NM_001363528.2 and 8 more transcripts); c.245T>A, p.Leu82His (NM_001318827.2, NM_001406670.1, NM_001406678.1); c.209T>A, p.Leu70His (NM_001318829.2, NM_001406675.1, NM_001406676.1 and 1 more transcripts); c.389T>A, p.Leu130His (NM_001318832.2); c.446T>A, p.Leu149His (NM_001406667.1, NM_001406668.1); c.299T>A, p.Leu100His (NM_001406677.1); c.-461T>A (NM_001406680.1, NM_001406683.1, NM_001406687.1); c.-90T>A (NM_001406681.1); and 6 more; short protein forms L119H, L82H, L100H, L130H, L149H, L70H.
Identifiers: ClinVar variation 3329527 (VCV003329527.1).